The following is an entry in ClinVar:

ClinVar aggregate classification (germline): Conflicting classifications of pathogenicity. Review status: criteria provided, conflicting classifications (1 of 4 stars). 2 submissions from 2 submitters: Likely pathogenic (1); Uncertain significance (1). Last evaluated 2025-11-19.

Submissions (2):

Labcorp Genetics (formerly Invitae), Labcorp
Classification: Uncertain significance. Last evaluated: 2025-11-19. Review status: criteria provided, single submitter. Criteria: Invitae Variant Classification Sherloc (09022015). Collection method: clinical testing. Allele origin: germline.
Comment: This sequence change replaces proline, which is neutral and non-polar, with leucine, which is neutral and non-polar, at codon 78 of the MC4R protein (p.Pro78Leu). This variant is not present in population databases (gnomAD no frequency). This missense change has been observed in individual(s) with obesity (PMID: 10199800, 15466016). ClinVar contains an entry for this variant (Variation ID: 2663185). Invitae Evidence Modeling of protein sequence and biophysical properties (such as structural, functional, and spatial information, amino acid conservation, physicochemical variation, residue mobility, and thermodynamic stability) has been performed for this missense variant. However, the output from this modeling did not meet the statistical confidence thresholds required to predict the impact of this variant on MC4R protein function. Experimental studies have shown that this missense change affects MC4R function (PMID: 12499395, 12970296, 20631012, 24385306, 24780838, 31002796). In summary, the available evidence is currently insufficient to determine the role of this variant in disease. Therefore, it has been classified as a Variant of Uncertain Significance.

GeneDx
Classification: Likely pathogenic. Last evaluated: 2023-05-10. Review status: criteria provided, single submitter. Criteria: GeneDx Variant Classification Process June 2021. Collection method: clinical testing. Allele origin: germline. Affected: yes.
Comment: Published functional studies demonstrate a damaging effect as P78L reduced NDP-alpha-MSH-induced cAMP production and beta-arrestin recruitment compared to wild type (Lotta et al., 2019); Not observed at significant frequency in large population cohorts (gnomAD); In silico analysis supports that this missense variant has a deleterious effect on protein structure/function; Observed in an individual with obesity in published literature (Hinney et al., 1999); This variant is associated with the following publications: (PMID: 33006084, 21369819, 25076858, 28284973, 23907004, 24385306, 21719532, 25332687, 20631012, 19648111, 31002796, 12690102, 12970296, 12499395, 12959994, 16752916, 17628007, 12032748, 10199800)

Literature cited by the submitters: PubMed 10199800 (cited by Labcorp Genetics (formerly Invitae), Labcorp); PubMed 15466016 (cited by Labcorp Genetics (formerly Invitae), Labcorp); PubMed 12499395 (cited by Labcorp Genetics (formerly Invitae), Labcorp); PubMed 12970296 (cited by Labcorp Genetics (formerly Invitae), Labcorp); PubMed 20631012 (cited by Labcorp Genetics (formerly Invitae), Labcorp); PubMed 24385306 (cited by Labcorp Genetics (formerly Invitae), Labcorp); PubMed 24780838 (cited by Labcorp Genetics (formerly Invitae), Labcorp); PubMed 31002796 (cited by Labcorp Genetics (formerly Invitae), Labcorp).

NM_005912.3(MC4R):c.233C>T (p.Pro78Leu)

Gene: MC4R (melanocortin 4 receptor; minus strand). Cytogenetic location: 18q21.32.
Variant type: single nucleotide variant.
Coding change: c.233C>T on transcript NM_005912.3 (MANE Select); coding-DNA position 233, C replaced by T.
Protein change: p.Pro78Leu; replaces proline 78 with leucine.
Molecular consequence: missense variant.
Genome position (GRCh38, 1-based): chr18:60,372,117, G>A on the plus strand (C>T on the coding strand, the complement: MC4R is on the minus strand). VCF-style: chr18-60372117-G-A. GRCh37 (hg19) VCF-style: chr18-58039350-G-A.
Other names: short protein forms P78L.
Identifiers: ClinVar variation 2663185 (VCV002663185.2), dbSNP rs13447326, ClinGen allele CA301530052.